The following is an entry in ClinVar:

ClinVar aggregate classification (germline): Benign/Likely benign. Review status: criteria provided, multiple submitters, no conflicts (2 of 4 stars). 5 submissions from 5 submitters: Benign (2); Likely benign (3). Last evaluated 2026-09-01.

Conditions:
Inborn genetic diseases. Identifiers: MedGen C0950123, MeSH D030342.
Intellectual developmental disorder with dysmorphic facies and behavioral abnormalities. Identifiers: MedGen C4748135, MONDO:0060760, OMIM 618089.

Submissions (5):

CeGaT Center for Human Genetics Tuebingen
Classification: Benign. Last evaluated: 2026-09-01. Review status: criteria provided, single submitter. Criteria: CeGaT Center For Human Genetics Tuebingen Variant Classification Criteria Version 2. Collection method: clinical testing. Allele origin: germline. Affected: yes. Observed: 18 variant alleles.
Comment: FBXO11: BS1, BS2

Labcorp Genetics (formerly Invitae), Labcorp
Classification: Likely benign. Last evaluated: 2026-02-02. Review status: criteria provided, single submitter. Criteria: Invitae Variant Classification Sherloc (09022015). Collection method: clinical testing. Allele origin: germline.

Blueprint Genetics
Classification: Likely benign. Last evaluated: 2024-11-20. Review status: criteria provided, single submitter. Criteria: ACMG Guidelines, 2015. Collection method: clinical testing. Allele origin: germline.

Department of Pathology and Laboratory Medicine, Sinai Health System
Classification: Likely benign for Intellectual developmental disorder with dysmorphic facies and behavioral abnormalities. Last evaluated: 2022-03-29. Review status: criteria provided, single submitter. Criteria: ACMG Guidelines, 2015. Collection method: research. Allele origin: germline.

Ambry Genetics
Classification: Benign for Inborn genetic diseases. Last evaluated: 2021-12-02. Review status: criteria provided, single submitter. Criteria: Ambry Variant Classification Scheme 2023. Collection method: clinical testing. Allele origin: germline.

NM_001190274.2(FBXO11):c.105GCCCCAGCAGCAGCC[1] (p.37QQQPP[1])

Genes: FBXO11 (F-box protein 11; minus strand), LOC100506235 (uncharacterized LOC100506235; plus strand). Cytogenetic location: 2p16.3.
Variant type: Microsatellite.
Coding change: c.105GCCCCAGCAGCAGCC[1] on transcript NM_001190274.2 (MANE Select); one copy of the 15-base unit GCCCCAGCAGCAGCC starting at c.105; the reference has two copies in a row; one copy, 15 bases deleted.
Protein change: p.37QQQPP[1].
Molecular consequence: inframe deletion.
Genome position (GRCh38, 1-based): chr2:47,905,587-47,905,601, GGCTGCTGCTGGGGC deleted on the plus strand (GCCCCAGCAGCAGCC on the coding strand, the reverse complement: FBXO11 is on the minus strand); deleting any 15 consecutive bases within chr2:47,905,587-47,905,622 gives the same sequence; the position shown is the placement nearest the transcript's 3' end. VCF-style (leftmost placement, unchanged base first): chr2-47905586-AGGCTGCTGCTGGGGC-A. GRCh37 (hg19) VCF-style: chr2-48132725-AGGCTGCTGCTGGGGC-A.
Other names: c.120_134del15 (NM_001190274.1).
Identifiers: ClinVar variation 1078575 (VCV001078575.36), dbSNP rs747252806, ClinGen allele CA1650243.